The following is an entry in ClinVar:

NM_002709.3(PPP1CB):c.904G>A (p.Ala302Thr)

Gene: PPP1CB (protein phosphatase 1 catalytic subunit beta; plus strand). Cytogenetic location: 2p23.2.
Variant type: single nucleotide variant.
Coding change: c.904G>A on transcript NM_002709.3 (MANE Select); coding-DNA position 904, G replaced by A.
Protein change: p.Ala302Thr; replaces alanine 302 with threonine.
Molecular consequence: missense variant.
Genome position (GRCh38, 1-based): chr2:28,799,223, G>A. VCF-style: chr2-28799223-G-A. GRCh37 (hg19) VCF-style: chr2-29022089-G-A.
Other names: c.904G>A, p.Ala302Thr (NM_206876.2); short protein forms A302T.
Identifiers: ClinVar variation 4862447 (VCV004862447.1).

ClinVar aggregate classification (germline): Uncertain significance (1 of 4 stars; one submission).

Conditions:
Cardiovascular phenotype. Identifiers: MedGen CN230736.

Submission:

Ambry Genetics
Classification: Uncertain significance for Cardiovascular phenotype. Last evaluated: 2026-04-16. Review status: criteria provided, single submitter. Criteria: Ambry Variant Classification Scheme 2023. Collection method: clinical testing. Allele origin: germline.
Comment: The p.A302T variant (also known as c.904G>A), located in coding exon 8 of the PPP1CB gene, results from a G to A substitution at nucleotide position 904. The alanine at codon 302 is replaced by threonine, an amino acid with similar properties. This amino acid position is conserved. In addition, this alteration is predicted to be tolerated by in silico analysis. Based on the available evidence, the clinical significance of this variant remains unclear.